The following is an entry in ClinVar:

NM_001029896.2(WDR45):c.826G>A (p.Ala276Thr)

Gene: WDR45 (WD repeat domain 45; minus strand). Cytogenetic location: Xp11.23.
Variant type: single nucleotide variant.
Coding change: c.826G>A on transcript NM_001029896.2 (MANE Select); coding-DNA position 826, G replaced by A.
Protein change: p.Ala276Thr; replaces alanine 276 with threonine.
Molecular consequence: missense variant.
Genome position (GRCh38, 1-based): chrX:49,075,365, C>T on the plus strand (G>A on the coding strand, the complement: WDR45 is on the minus strand). VCF-style: chrX-49075365-C-T. GRCh37 (hg19) VCF-style: chrX-48933024-C-T.
Other names: c.829G>A, p.Ala277Thr (NM_007075.4); short protein forms A276T, A277T.
Identifiers: ClinVar variation 996979 (VCV000996979.9), dbSNP rs2065030595, ClinGen allele CA412942586.

ClinVar aggregate classification (germline): Uncertain significance. Review status: criteria provided, multiple submitters, no conflicts (2 of 4 stars). 2 submissions from 2 submitters: Uncertain significance (2). Last evaluated 2024-11-16.

Conditions:
Neurodegeneration with brain iron accumulation 5 (NBIA5). Also called: STATIC ENCEPHALOPATHY OF CHILDHOOD WITH NEURODEGENERATION IN ADULTHOOD; Beta-propeller protein-associated neurodegeneration. Identifiers: Orphanet 329284, MedGen C3550973, MONDO:0010476, OMIM 300894.

Allele frequency attached by ClinVar (database versions not stated): gnomAD exomes below 0.00001; TOPMed below 0.00001; gnomAD 0.00001.
gnomAD v4.1: 6 of 1,205,326 alleles (0.0005%); highest among the groups gnomAD compares: African/African-American, 0.0017%; no homozygotes.

Submissions (2):

Labcorp Genetics (formerly Invitae), Labcorp
Classification: Uncertain significance for Neurodegeneration with brain iron accumulation 5. Last evaluated: 2024-11-16. Review status: criteria provided, single submitter. Criteria: Invitae Variant Classification Sherloc (09022015). Collection method: clinical testing. Allele origin: germline.
Comment: This sequence change replaces alanine, which is neutral and non-polar, with threonine, which is neutral and polar, at codon 277 of the WDR45 protein (p.Ala277Thr). This variant is not present in population databases (gnomAD no frequency). This variant has not been reported in the literature in individuals affected with WDR45-related conditions. ClinVar contains an entry for this variant (Variation ID: 996979). An algorithm developed to predict the effect of missense changes on protein structure and function (PolyPhen-2) suggests that this variant is likely to be tolerated. In summary, the available evidence is currently insufficient to determine the role of this variant in disease. Therefore, it has been classified as a Variant of Uncertain Significance.

New York Genome Center
Classification: Uncertain significance for Neurodegeneration with brain iron accumulation 5. Last evaluated: 2020-04-20. Review status: criteria provided, single submitter. Criteria: NYGC Assertion Criteria 2020. Collection method: clinical testing. Allele origin: germline. Inheritance: X-linked inheritance. Observed: 1 heterozygote. Study: CSER-NYCKidSeq.
Comment: The heterozygous c.826G>A (p.Ala276Thr) variant identified in the WDR45 gene substitutes a well conserved Alanine for Threonine at amino acid 276/361 (coding exon 9/11). This variant is found with low frequency in gnomAD (1 heterozygote, 0 homozygotes; allele frequency: 9.41e-6) suggesting it is not a common benign variant in the populations represented in this database. In silico algorithms predict this variant to be Neutral (Provean; score:0.08) and Tolerated (SIFT; score: 0.215) to the function of the canonical transcript. This variant is absent from ClinVar and to our current knowledge has not been reported in affected individuals in the literature. Given the lack of compelling evidence for its pathogenicity, the c.826G>A (p.Ala276Thr) variant identified in the WDR45 gene is reported here as a Variant of Uncertain Significance.